The following is an entry in ClinVar:

NM_000059.4(BRCA2):c.7489A>G (p.Lys2497Glu)

Gene: BRCA2 (BRCA2 DNA repair associated; plus strand). Cytogenetic location: 13q13.1.
Variant type: single nucleotide variant.
Coding change: c.7489A>G on transcript NM_000059.4 (MANE Select); coding-DNA position 7489, A replaced by G.
Protein change: p.Lys2497Glu; replaces lysine 2497 with glutamic acid.
Molecular consequence: missense variant. On other transcripts: non-coding transcript variant (1).
Genome position (GRCh38, 1-based): chr13:32,356,481, A>G. VCF-style: chr13-32356481-A-G. GRCh37 (hg19) VCF-style: chr13-32930618-A-G.
Other names: c.7393A>G, p.Lys2465Glu (NM_001406719.1); c.7489A>G, p.Lys2497Glu (NM_001406720.1, NM_001432077.1); c.2557A>G, p.Lys853Glu (NM_001406721.1); c.1072A>G, p.Lys358Glu (NM_001406722.1); short protein forms K2465E, K358E, K853E, K2497E.
Identifiers: ClinVar variation 3481930 (VCV003481930.1).

ClinVar aggregate classification (germline): Uncertain significance (1 of 4 stars; one submission).

Conditions:
Hereditary cancer-predisposing syndrome. Also called: Tumor predisposition; Neoplastic Syndromes, Hereditary; Hereditary Cancer Syndrome; Hereditary neoplastic syndrome. Identifiers: Orphanet 140162, MedGen C0027672, MeSH D009386, MONDO:0015356.

Submission:

Ambry Genetics
Classification: Uncertain significance for Hereditary cancer-predisposing syndrome. Last evaluated: 2024-11-05. Review status: criteria provided, single submitter. Criteria: Ambry Variant Classification Scheme 2023. Collection method: clinical testing. Allele origin: germline.
Comment: The p.K2497E variant (also known as c.7489A>G), located in coding exon 14 of the BRCA2 gene, results from an A to G substitution at nucleotide position 7489. The lysine at codon 2497 is replaced by glutamic acid, an amino acid with similar properties. This amino acid position is not well conserved in available vertebrate species. In addition, the in silico prediction for this alteration is inconclusive. Based on the available evidence, the clinical significance of this variant remains unclear.